The following is an entry in ClinVar:

NM_015374.3(SUN2):c.1043G>T (p.Arg348Leu)

Genes: GTPBP1 (GTP binding protein 1; plus strand), SUN2 (Sad1 and UNC84 domain containing 2; minus strand). Cytogenetic location: 22q13.1.
Variant type: single nucleotide variant.
Coding change: c.1043G>T on transcript NM_015374.3 (MANE Select); coding-DNA position 1043, G replaced by T.
Protein change: p.Arg348Leu; replaces arginine 348 with leucine.
Molecular consequence: missense variant. On other transcripts: intron variant (3).
Genome position (GRCh38, 1-based): chr22:38,742,326, C>A on the plus strand (G>T on the coding strand, the complement: SUN2 is on the minus strand). VCF-style: chr22-38742326-C-A. GRCh37 (hg19) VCF-style: chr22-39138331-C-A.
Other names: c.1106G>T, p.Arg369Leu (NM_001199579.2, NM_001394428.1); c.1043G>T, p.Arg348Leu (NM_001199580.2, NM_001394431.1, NM_001394432.1 and 5 more transcripts); c.1136G>T, p.Arg379Leu (NM_001394427.1); c.1088G>T, p.Arg363Leu (NM_001394429.1, NM_001394430.1); c.905G>T, p.Arg302Leu (NM_001394441.1, NM_001394439.1, NM_001394440.1); c.551G>T, p.Arg184Leu (NM_001394443.1); c.615-1894G>T (NM_001394444.1, NM_001394445.1); c.814-1916G>T (NM_001394442.1); and 1 more; short protein forms R302L, R348L, R369L, R363L, R318L, R379L, R184L.
Identifiers: ClinVar variation 4731826 (VCV004731826.1).

ClinVar aggregate classification (germline): Uncertain significance (1 of 4 stars; one submission).

Conditions:
Emery-Dreifuss muscular dystrophy (EDMD). Also called: Scapuloperoneal syndrome, X-linked (formerly); Humeroperoneal neuromuscular disease, (formerly). Identifiers: Orphanet 261, MedGen C0410189, MONDO:0016830.

gnomAD v4.1: 1 of 1,605,754 alleles (0.000062%); no homozygotes.

Submission:

Labcorp Genetics (formerly Invitae), Labcorp
Classification: Uncertain significance for Emery-Dreifuss muscular dystrophy. Last evaluated: 2025-12-02. Review status: criteria provided, single submitter. Criteria: Invitae Variant Classification Sherloc (09022015). Collection method: clinical testing. Allele origin: germline.
Comment: This sequence change replaces arginine, which is basic and polar, with leucine, which is neutral and non-polar, at codon 348 of the SUN2 protein (p.Arg348Leu). This variant is not present in population databases (gnomAD no frequency). This variant has not been reported in the literature in individuals affected with SUN2-related conditions. An algorithm developed to predict the effect of missense changes on protein structure and function outputs the following: PolyPhen-2: "Benign". The leucine amino acid residue is found in multiple mammalian species, which suggests that this missense change does not adversely affect protein function. In summary, the available evidence is currently insufficient to determine the role of this variant in disease. Therefore, it has been classified as a Variant of Uncertain Significance.